The following is an entry in ClinVar:

ClinVar aggregate classification (germline): Likely benign. Review status: criteria provided, multiple submitters, no conflicts (2 of 4 stars). 4 submissions from 4 submitters: Likely benign (4). Last evaluated 2025-06-30.

Conditions:
Hereditary cancer-predisposing syndrome. Also called: Hereditary Cancer Syndrome; Hereditary neoplastic syndrome; Neoplastic Syndromes, Hereditary; Tumor predisposition. Identifiers: Orphanet 140162, MedGen C0027672, MeSH D009386, MONDO:0015356.
Hereditary breast ovarian cancer syndrome. Also called: Hereditary breast and ovarian cancer syndrome; BRCA1- and BRCA2-Associated Hereditary Breast and Ovarian Cancer; Hereditary breast and ovarian cancer; Hereditary breast and/or ovarian cancer syndrome; Hereditary breast and ovarian cancer syndrome (HBOC); Breast and ovarian cancer. Identifiers: Orphanet 145, MedGen C0677776, MeSH D061325, MONDO:0003582. Disease mechanism: loss of function.

Allele frequency attached by ClinVar (database versions not stated): gnomAD below 0.00001 and 0.00001; gnomAD exomes below 0.00001; TOPMed 0.00001.
gnomAD v4.1: 3 of 1,613,872 alleles (0.00019%); highest among the groups gnomAD compares: Admixed American, 0.0033%; no homozygotes.

Submissions (4):

Labcorp Genetics (formerly Invitae), Labcorp
Classification: Likely benign for Hereditary breast ovarian cancer syndrome. Last evaluated: 2025-06-30. Review status: criteria provided, single submitter. Criteria: Invitae Variant Classification Sherloc (09022015). Collection method: clinical testing. Allele origin: germline.

Women's Health and Genetics/Laboratory Corporation of America, LabCorp
Classification: Likely benign. Last evaluated: 2020-03-07. Review status: criteria provided, single submitter. Criteria: LabCorp Variant Classification Summary - May 2015. Collection method: clinical testing. Allele origin: germline.

Ambry Genetics
Classification: Likely benign for Hereditary cancer-predisposing syndrome. Last evaluated: 2017-09-25. Review status: criteria provided, single submitter. Criteria: Ambry Variant Classification Scheme 2023. Collection method: clinical testing. Allele origin: germline.

GeneDx
Classification: Likely benign. Last evaluated: 2016-09-19. Review status: criteria provided, single submitter. Criteria: GeneDx Variant Classification (06012015). Collection method: clinical testing. Allele origin: germline. Affected: yes.
Comment: This variant is considered likely benign or benign based on one or more of the following criteria: it is a conservative change, it occurs at a poorly conserved position in the protein, it is predicted to be benign by multiple in silico algorithms, and/or has population frequency not consistent with disease.

NM_007294.4(BRCA1):c.2742G>A (p.Glu914=)

Gene: BRCA1 (BRCA1 DNA repair associated; minus strand). Cytogenetic location: 17q21.31.
Variant type: single nucleotide variant.
Coding change: c.2742G>A on transcript NM_007294.4 (MANE Select); coding-DNA position 2742, G replaced by A.
Protein change: p.Glu914=; no amino-acid change (glutamic acid 914 retained).
Molecular consequence: synonymous variant. On other transcripts: intron variant (137).
Genome position (GRCh38, 1-based): chr17:43,092,789, C>T on the plus strand (G>A on the coding strand, the complement: BRCA1 is on the minus strand). VCF-style: chr17-43092789-C-T. GRCh37 (hg19) VCF-style: chr17-41244806-C-T.
Other names: c.2529G>A, p.Glu843= (NM_001407571.1, NM_001407915.1, NM_001407916.1 and 9 more transcripts); c.2742G>A, p.Glu914= (NM_001407581.1, NM_001407593.1, NM_001407594.1 and 30 more transcripts); c.2739G>A, p.Glu913= (NM_001407587.1, NM_001407590.1, NM_001407591.1 and 22 more transcripts); c.2598G>A, p.Glu866= (NM_001407747.1, NM_001407748.1, NM_001407749.1 and 20 more transcripts); c.2601G>A, p.Glu867= (NM_001407750.1, NM_001407751.1, NM_001407752.1 and 29 more transcripts); c.2532G>A, p.Glu844= (NM_001407904.1, NM_001407906.1, NM_001407907.1 and 13 more transcripts); c.2619G>A, p.Glu873= (NM_001407919.1, NM_001407863.1, NM_001407937.1 and 19 more transcripts); c.2478G>A, p.Glu826= (NM_001407920.1, NM_001407921.1, NM_001407922.1 and 9 more transcripts); and 41 more.
Identifiers: ClinVar variation 389454 (VCV000389454.15), dbSNP rs961042365, ClinGen allele CA16607667.